The following is an entry in ClinVar:

NM_024675.4(PALB2):c.1077T>G (p.Ser359Arg)

Gene: PALB2 (partner and localizer of BRCA2; minus strand). Cytogenetic location: 16p12.2.
Variant type: single nucleotide variant.
Coding change: c.1077T>G on transcript NM_024675.4 (MANE Select); coding-DNA position 1077, T replaced by G.
Protein change: p.Ser359Arg; replaces serine 359 with arginine.
Molecular consequence: missense variant.
Genome position (GRCh38, 1-based): chr16:23,635,469, A>C on the plus strand (T>G on the coding strand, the complement: PALB2 is on the minus strand). VCF-style: chr16-23635469-A-C. GRCh37 (hg19) VCF-style: chr16-23646790-A-C.
Other names: c.1017T>G, p.Ser339Arg (NM_001407296.1); c.1077T>G, p.Ser359Arg (NM_001407297.1, NM_001407298.1, NM_001407299.1 and 3 more transcripts); c.192T>G, p.Ser64Arg (NM_001407304.1, NM_001407305.1, NM_001407306.1 and 5 more transcripts); short protein forms S359R, S339R, S64R.
Identifiers: ClinVar variation 1785308 (VCV001785308.3), dbSNP rs1280472090, ClinGen allele CA395133957.

ClinVar aggregate classification (germline): Uncertain significance. Review status: criteria provided, multiple submitters, no conflicts (2 of 4 stars). 2 submissions from 2 submitters: Uncertain significance (2). Last evaluated 2024-10-26.

Conditions:
Hereditary cancer-predisposing syndrome. Also called: Neoplastic Syndromes, Hereditary; Tumor predisposition; Hereditary Cancer Syndrome; Hereditary neoplastic syndrome. Identifiers: Orphanet 140162, MedGen C0027672, MeSH D009386, MONDO:0015356.

Allele frequency attached by ClinVar (database versions not stated): gnomAD exomes below 0.00001.
gnomAD v4.1: 6 of 1,614,156 alleles (0.00037%); highest among the groups gnomAD compares: Non-Finnish European, 0.00051%; no homozygotes.

Submissions (2):

Women's Health and Genetics/Laboratory Corporation of America, LabCorp
Classification: Uncertain significance. Last evaluated: 2024-10-26. Review status: criteria provided, single submitter. Criteria: LabCorp Variant Classification Summary - May 2015. Collection method: clinical testing. Allele origin: germline.

Ambry Genetics
Classification: Uncertain significance for Hereditary cancer-predisposing syndrome. Last evaluated: 2022-03-04. Review status: criteria provided, single submitter. Criteria: Ambry Variant Classification Scheme 2023. Collection method: clinical testing. Allele origin: germline.
Comment: The p.S359R variant (also known as c.1077T>G), located in coding exon 4 of the PALB2 gene, results from a T to G substitution at nucleotide position 1077. The serine at codon 359 is replaced by arginine, an amino acid with dissimilar properties. This amino acid position is conserved. In addition, this alteration is predicted to be tolerated by in silico analysis. Since supporting evidence is limited at this time, the clinical significance of this alteration remains unclear.